The following is an entry in ClinVar:

NM_001035.3(RYR2):c.12357G>A (p.Leu4119=)

Gene: RYR2 (ryanodine receptor 2; plus strand). Cytogenetic location: 1q43.
Variant type: single nucleotide variant.
Coding change: c.12357G>A on transcript NM_001035.3 (MANE Select); coding-DNA position 12357, G replaced by A.
Protein change: p.Leu4119=; no amino-acid change (leucine 4119 retained).
Molecular consequence: synonymous variant.
Genome position (GRCh38, 1-based): chr1:237,784,069, G>A. VCF-style: chr1-237784069-G-A. GRCh37 (hg19) VCF-style: chr1-237947369-G-A.
Identifiers: ClinVar variation 1476383 (VCV001476383.8), dbSNP rs2149353502, ClinGen allele CA424032041.

ClinVar aggregate classification (germline): Likely benign. Review status: criteria provided, multiple submitters, no conflicts (2 of 4 stars). 2 submissions from 2 submitters: Likely benign (2). Last evaluated 2023-10-27.

Conditions:
Catecholaminergic polymorphic ventricular tachycardia (CVPT). Also called: Catecholamine-induced polymorphic ventricular tachycardia. Identifiers: Orphanet 3286, MedGen C5574922, MONDO:0017990.
Catecholaminergic polymorphic ventricular tachycardia 1. Also called: VENTRICULAR TACHYCARDIA, CATECHOLAMINERGIC POLYMORPHIC, 1, WITH OR WITHOUT ATRIAL DYSFUNCTION AND/OR DILATED CARDIOMYOPATHY; RYR2-Related Catecholaminergic Polymorphic Ventricular Tachycardia; VENTRICULAR TACHYCARDIA, STRESS-INDUCED POLYMORPHIC 1. Identifiers: Orphanet 3286, MedGen C1631597, MONDO:0011484, OMIM 604772.

Submissions (2):

All of Us Research Program, National Institutes of Health
Classification: Likely benign for Catecholaminergic polymorphic ventricular tachycardia. Last evaluated: 2023-10-27. Review status: criteria provided, single submitter. Criteria: ACMG Guidelines, 2015. Collection method: clinical testing. Allele origin: germline. Inheritance: Autosomal dominant inheritance. Observed: 1 variant allele, 1 heterozygote.
Comment: This study involves interpretation of variants in research participants for the purpose of population health screening. Participant phenotype was not available at the time of variant classification. Additional details can be found in publication PMID: 35346344, PMCID: PMC8962531

Labcorp Genetics (formerly Invitae), Labcorp
Classification: Likely benign for Catecholaminergic polymorphic ventricular tachycardia 1. Last evaluated: 2022-09-01. Review status: criteria provided, single submitter. Criteria: Invitae Variant Classification Sherloc (09022015). Collection method: clinical testing. Allele origin: germline.